The following is an entry in ClinVar:

ClinVar aggregate classification (germline): Uncertain significance (1 of 4 stars; one submission).

gnomAD v4.1: 1 of 1,613,108 alleles (0.000062%); highest among the groups gnomAD compares: Non-Finnish European, 0.000085%; no homozygotes.

Submission:

Labcorp Genetics (formerly Invitae), Labcorp
Classification: Uncertain significance. Last evaluated: 2023-09-11. Review status: criteria provided, single submitter. Criteria: Invitae Variant Classification Sherloc (09022015). Collection method: clinical testing. Allele origin: germline.
Comment: In summary, the available evidence is currently insufficient to determine the role of this variant in disease. Therefore, it has been classified as a Variant of Uncertain Significance. An algorithm developed to predict the effect of missense changes on protein structure and function (PolyPhen-2) suggests that this variant is likely to be disruptive. This variant has not been reported in the literature in individuals affected with SKIV2L-related conditions. This variant is not present in population databases (gnomAD no frequency). This sequence change replaces methionine, which is neutral and non-polar, with valine, which is neutral and non-polar, at codon 700 of the SKIV2L protein (p.Met700Val).

NM_006929.5(SKIC2):c.2098A>G (p.Met700Val)

Gene: SKIC2 (SKI2 subunit of superkiller complex; plus strand). Cytogenetic location: 6p21.33.
Variant type: single nucleotide variant.
Coding change: c.2098A>G on transcript NM_006929.5 (MANE Select); coding-DNA position 2098, A replaced by G.
Protein change: p.Met700Val; replaces methionine 700 with valine.
Molecular consequence: missense variant.
Genome position (GRCh38, 1-based): chr6:31,965,909, A>G. VCF-style: chr6-31965909-A-G. GRCh37 (hg19) VCF-style: chr6-31933686-A-G.
Other names: short protein forms M700V.
Identifiers: ClinVar variation 2784760 (VCV002784760.3), dbSNP rs2482964013, ClinGen allele CA363468043.